The following is an entry in ClinVar:

NC_000002.11:g.(?_179424791)_(179429241_?)del

Gene: TTN (titin; minus strand). Cytogenetic location: 2q31.2.
Variant type: Deletion.
Identifiers: ClinVar variation 3247295 (VCV003247295.1).

ClinVar aggregate classification (germline): Likely pathogenic (1 of 4 stars; one submission).

Conditions:
Autosomal recessive limb-girdle muscular dystrophy type 2J (LGMDR10). Also called: Limb-girdle muscular dystrophy, type 2J; MUSCULAR DYSTROPHY, LIMB-GIRDLE, AUTOSOMAL RECESSIVE 10. Identifiers: Orphanet 140922, MedGen C1837342, MONDO:0012127, OMIM 608807.
Dilated cardiomyopathy 1G (CMD1G). Identifiers: Orphanet 154, MedGen C1858763, MONDO:0011400, OMIM 604145.

Submission:

Labcorp Genetics (formerly Invitae), Labcorp
Classification: Likely pathogenic for Dilated cardiomyopathy 1G; Autosomal recessive limb-girdle muscular dystrophy type 2J. Last evaluated: 2023-02-20. Review status: criteria provided, single submitter. Criteria: Invitae Variant Classification Sherloc (09022015). Collection method: clinical testing. Allele origin: unknown.
Comment: In summary, the currently available evidence indicates that the variant is pathogenic, but additional data are needed to prove that conclusively. Therefore, this variant has been classified as Likely Pathogenic. This variant is located in the A band of TTN (PMID: 25589632). Truncating variants in this region are significantly overrepresented in patients affected with dilated cardiomyopathy (PMID: 25589632). Truncating variants in this region have also been reported in individuals affected with autosomal recessive centronuclear myopathy (PMID: 23975875). ClinVar contains an entry for this variant (Variation ID: 657182). This variant has not been reported in the literature in individuals affected with TTN-related conditions. This sequence change creates a premature translational stop signal (p.Val27207Glnfs*4) in the TTN gene. While this is not anticipated to result in nonsense mediated decay, it is expected to create a truncated TTN protein.

Literature cited by the submitters: PubMed 25589632; PubMed 23975875.